The following is an entry in ClinVar:

ClinVar aggregate classification (germline): Uncertain significance. Review status: criteria provided, multiple submitters, no conflicts (2 of 4 stars). 2 submissions from 2 submitters: Uncertain significance (2). Last evaluated 2025-09-03.

Conditions:
Cardiovascular phenotype. Identifiers: MedGen CN230736.
Long QT syndrome (LQTS). Identifiers: MedGen C0023976, MeSH D008133, MONDO:0002442. Disease mechanism: loss of function. Inheritance: Various modes of inheritance.

Submissions (2):

Labcorp Genetics (formerly Invitae), Labcorp
Classification: Uncertain significance for Long QT syndrome. Last evaluated: 2025-09-03. Review status: criteria provided, single submitter. Criteria: Invitae Variant Classification Sherloc (09022015). Collection method: clinical testing. Allele origin: germline.
Comment: This sequence change replaces lysine, which is basic and polar, with methionine, which is neutral and non-polar, at codon 1208 of the ANK2 protein (p.Lys1208Met). This variant is present in population databases (rs375594801, gnomAD 0.0009%). This variant has not been reported in the literature in individuals affected with ANK2-related conditions. ClinVar contains an entry for this variant (Variation ID: 4051213). Invitae Evidence Modeling of protein sequence and biophysical properties (such as structural, functional, and spatial information, amino acid conservation, physicochemical variation, residue mobility, and thermodynamic stability) indicates that this missense variant is not expected to disrupt ANK2 protein function with a negative predictive value of 80%. In summary, the available evidence is currently insufficient to determine the role of this variant in disease. Therefore, it has been classified as a Variant of Uncertain Significance.

Ambry Genetics
Classification: Uncertain significance for Cardiovascular phenotype. Last evaluated: 2025-05-22. Review status: criteria provided, single submitter. Criteria: Ambry Variant Classification Scheme 2023. Collection method: clinical testing. Allele origin: germline.
Comment: The p.K1208M variant (also known as c.3623A>T), located in coding exon 31 of the ANK2 gene, results from an A to T substitution at nucleotide position 3623. The lysine at codon 1208 is replaced by methionine, an amino acid with similar properties. This amino acid position is highly conserved in available vertebrate species. In addition, the in silico prediction for this alteration is inconclusive. Based on the available evidence, the clinical significance of this variant remains unclear.

NM_001148.6(ANK2):c.3623A>T (p.Lys1208Met)

Gene: ANK2 (ankyrin 2; plus strand). Cytogenetic location: 4q26.
Variant type: single nucleotide variant.
Coding change: c.3623A>T on transcript NM_001148.6 (MANE Select); coding-DNA position 3623, A replaced by T.
Protein change: p.Lys1208Met; replaces lysine 1208 with methionine.
Molecular consequence: missense variant.
Genome position (GRCh38, 1-based): chr4:113,336,608, A>T. VCF-style: chr4-113336608-A-T. GRCh37 (hg19) VCF-style: chr4-114257764-A-T.
Other names: c.3560A>T, p.Lys1187Met (NM_001354255.2, NM_001354243.2, NM_001386143.1); c.3557A>T, p.Lys1186Met (NM_001354256.2, NM_001354244.2, NM_001386161.1); c.3362A>T, p.Lys1121Met (NM_001354257.2, NM_001386156.1); c.3524A>T, p.Lys1175Met (NM_001354258.2, NM_001354228.2); c.3338A>T, p.Lys1113Met (NM_001354260.2, NM_001354271.2, NM_001386151.1); c.3482A>T, p.Lys1161Met (NM_001354261.2, NM_001386147.1); c.3461A>T, p.Lys1154Met (NM_001354262.2, NM_001354245.2, NM_001354275.2); c.3458A>T, p.Lys1153Met (NM_001354264.2); and 31 more; short protein forms K1047M, K1142M, K1163M, K1175M, K1191M, K1198M, K1201M, K1220M.
Identifiers: ClinVar variation 4051213 (VCV004051213.2).